The following is an entry in ClinVar:

NM_001267550.2(TTN):c.11520T>C (p.Ser3840=)

Gene: TTN (titin; minus strand). Cytogenetic location: 2q31.2.
Variant type: single nucleotide variant.
Coding change: c.11520T>C on transcript NM_001267550.2 (MANE Select); coding-DNA position 11520, T replaced by C.
Protein change: p.Ser3840=; no amino-acid change (serine 3840 retained).
Molecular consequence: synonymous variant. On other transcripts: intron variant (1).
Genome position (GRCh38, 1-based): chr2:178,741,713, A>G on the plus strand (T>C on the coding strand, the complement: TTN is on the minus strand). VCF-style: chr2-178741713-A-G. GRCh37 (hg19) VCF-style: chr2-179606440-A-G.
Other names: c.10569T>C, p.Ser3523= (NM_001256850.1); c.10431T>C, p.Ser3477= (NM_003319.4); c.10806T>C, p.Ser3602= (NM_133432.3); c.11007T>C, p.Ser3669= (NM_133437.4); c.10361-3353T>C (NM_133378.4).
Identifiers: ClinVar variation 1618273 (VCV001618273.9), dbSNP rs781238390, ClinGen allele CA2002844.
Genomic context (GRCh38, chr2:178,741,713, plus strand): 5'-TAATAGCACTCCATTAAAGAACCACTGAATTTTAGGTTTGGGGATGCCAATGACAGTTAC[A>G]GACAGTGTAGCCACATCCCCCATGCTTATATCAGCATTTGACACTTCTTTGATGAAAATT-3'
Protein context (NP_001254479.2, residues 3830-3850): DISMGDVATL[Ser3840=]VTVIGIPKPK

ClinVar aggregate classification (germline): Likely benign. Review status: criteria provided, multiple submitters, no conflicts (2 of 4 stars). 2 submissions from 2 submitters: Likely benign (2). Last evaluated 2026-06-02.

Conditions:
TTN-related disorder. Also called: TTN-related disorders; TTN-related condition; TTN-related disease.
Autosomal recessive limb-girdle muscular dystrophy type 2J (LGMDR10). Also called: MUSCULAR DYSTROPHY, LIMB-GIRDLE, AUTOSOMAL RECESSIVE 10; Limb-girdle muscular dystrophy, type 2J. Identifiers: Orphanet 140922, MedGen C1837342, MONDO:0012127, OMIM 608807.
Dilated cardiomyopathy 1G (CMD1G). Identifiers: Orphanet 154, MedGen C1858763, MONDO:0011400, OMIM 604145.

Allele frequency attached by ClinVar (database versions not stated): gnomAD exomes below 0.00001 and 0.00001; TOPMed 0.00001; ExAC 0.00002.
gnomAD v4.1: 2 of 1,613,762 alleles (0.00012%); highest among the groups gnomAD compares: Admixed American, 0.0033%; no homozygotes.

Submissions (2):

PreventionGenetics, part of Exact Sciences
Classification: Likely benign for TTN-related condition. Last evaluated: 2026-06-02. Review status: criteria provided, single submitter. Criteria: ACMG Guidelines, 2015. Collection method: clinical testing. Allele origin: germline.
Comment: This variant is classified as likely benign based on ACMG/AMP sequence variant interpretation guidelines (Richards et al. 2015 PMID: 25741868, with internal and published modifications).

Labcorp Genetics (formerly Invitae), Labcorp
Classification: Likely benign for Dilated cardiomyopathy 1G; Autosomal recessive limb-girdle muscular dystrophy type 2J. Last evaluated: 2025-05-12. Review status: criteria provided, single submitter. Criteria: Invitae Variant Classification Sherloc (09022015). Collection method: clinical testing. Allele origin: germline.